The following is an entry in ClinVar:

NM_000548.5(TSC2):c.1015G>C (p.Val339Leu)

Gene: TSC2 (TSC complex subunit 2; plus strand). Cytogenetic location: 16p13.3.
Variant type: single nucleotide variant.
Coding change: c.1015G>C on transcript NM_000548.5 (MANE Select); coding-DNA position 1015, G replaced by C.
Protein change: p.Val339Leu; replaces valine 339 with leucine.
Molecular consequence: missense variant.
Genome position (GRCh38, 1-based): chr16:2,060,709, G>C. VCF-style: chr16-2060709-G-C. GRCh37 (hg19) VCF-style: chr16-2110710-G-C.
Other names: c.1015G>C, p.Val339Leu (NM_001077183.3, NM_001114382.3, NM_001363528.2 and 3 more transcripts); c.904G>C, p.Val302Leu (NM_001318827.2); c.868G>C, p.Val290Leu (NM_001318829.2); c.415G>C, p.Val139Leu (NM_001318831.2); c.1048G>C, p.Val350Leu (NM_001318832.2); short protein forms V339L, V302L, V139L, V350L, V290L.
Identifiers: ClinVar variation 577552 (VCV000577552.8), dbSNP rs559727962, ClinGen allele CA394317523.
Genomic context (GRCh38, chr16:2,060,709, plus strand): 5'-CTGGCCGGGCTCGTGTTCCAGGCCATGGCATGTCCGAACGAGGTGGTGTCCTATGAGATC[G>C]TCCTGTCCATCACCAGGCTCATCAAGAAGTATAGGAAGGAGCTCCAGGTGGTGGCGTGGG-3'
Protein context (NP_000539.2, residues 329-349): CPNEVVSYEI[Val339Leu]LSITRLIKKY

ClinVar aggregate classification (germline): Uncertain significance (1 of 4 stars; one submission).

Conditions:
Tuberous sclerosis 2 (TSC2). Identifiers: Orphanet 805, MedGen C1860707, MONDO:0013199, OMIM 613254.

Submission:

Labcorp Genetics (formerly Invitae), Labcorp
Classification: Uncertain significance for Tuberous sclerosis 2. Last evaluated: 2018-02-12. Review status: criteria provided, single submitter. Criteria: Invitae Variant Classification Sherloc (09022015). Collection method: clinical testing. Allele origin: germline.
Comment: This sequence change replaces valine with leucine at codon 339 of the TSC2 protein (p.Val339Leu). The valine residue is highly conserved and there is a small physicochemical difference between valine and leucine. This variant is not present in population databases (ExAC no frequency). This variant has not been reported in the literature in individuals with TSC2-related disease. Algorithms developed to predict the effect of missense changes on protein structure and function do not agree on the potential impact of this missense change (SIFT: "Deleterious"; PolyPhen-2: "Possibly Damaging"; Align-GVGD: "Class C0"). In summary, the available evidence is currently insufficient to determine the role of this variant in disease. Therefore, it has been classified as a Variant of Uncertain Significance.